The following is an entry in ClinVar:

NM_133433.4(NIPBL):c.3548C>T (p.Ala1183Val)

Gene: NIPBL (NIPBL cohesin loading factor; plus strand). Cytogenetic location: 5p13.2.
Variant type: single nucleotide variant.
Coding change: c.3548C>T on transcript NM_133433.4 (MANE Select); coding-DNA position 3548, C replaced by T.
Protein change: p.Ala1183Val; replaces alanine 1183 with valine.
Molecular consequence: missense variant.
Genome position (GRCh38, 1-based): chr5:37,000,862, C>T. VCF-style: chr5-37000862-C-T. GRCh37 (hg19) VCF-style: chr5-37000964-C-T.
Other names: c.3548C>T, p.Ala1183Val (NM_015384.5); short protein forms A1183V.
Identifiers: ClinVar variation 931656 (VCV000931656.8), dbSNP rs892589257, ClinGen allele CA359518305.

ClinVar aggregate classification (germline): Uncertain significance. Review status: criteria provided, multiple submitters, no conflicts (2 of 4 stars). 2 submissions from 2 submitters: Uncertain significance (2). Last evaluated 2025-05-12.

Conditions:
Cornelia de Lange syndrome 1 (CDLS1). Also called: TYPUS DEGENERATIVUS AMSTELODAMENSIS; Brachmann de Lange syndrome; NIPBL-Related Cornelia de Lange Syndrome. Identifiers: Orphanet 199, MedGen C4551851, MONDO:0007387, OMIM 122470.

Submissions (2):

Labcorp Genetics (formerly Invitae), Labcorp
Classification: Uncertain significance for Cornelia de Lange syndrome 1. Last evaluated: 2025-05-12. Review status: criteria provided, single submitter. Criteria: Invitae Variant Classification Sherloc (09022015). Collection method: clinical testing. Allele origin: germline.
Comment: This sequence change replaces alanine, which is neutral and non-polar, with valine, which is neutral and non-polar, at codon 1183 of the NIPBL protein (p.Ala1183Val). This variant is not present in population databases (gnomAD no frequency). This variant has not been reported in the literature in individuals affected with NIPBL-related conditions. ClinVar contains an entry for this variant (Variation ID: 931656). Invitae Evidence Modeling of protein sequence and biophysical properties (such as structural, functional, and spatial information, amino acid conservation, physicochemical variation, residue mobility, and thermodynamic stability) has been performed for this missense variant. However, the output from this modeling did not meet the statistical confidence thresholds required to predict the impact of this variant on NIPBL protein function. In summary, the available evidence is currently insufficient to determine the role of this variant in disease. Therefore, it has been classified as a Variant of Uncertain Significance.

Centre for Mendelian Genomics, University Medical Centre Ljubljana
Classification: Uncertain significance for Cornelia de Lange syndrome 1. Last evaluated: 2019-10-30. Review status: criteria provided, single submitter. Criteria: ACMG Guidelines, 2015. Collection method: clinical testing. Allele origin: unknown. Affected: yes.
Comment: This variant was classified as: Uncertain significance. The available evidence on this variant's pathogenicity is insufficient or conflicting. The following ACMG criteria were applied in classifying this variant: PM2,PP3,BS2.